The following is an entry in ClinVar:

NM_001003787.4(STRADA):c.368A>G (p.Lys123Arg)

Gene: STRADA (STE20 related adaptor alpha; minus strand). Cytogenetic location: 17q23.3.
Variant type: single nucleotide variant.
Coding change: c.368A>G on transcript NM_001003787.4 (MANE Select); coding-DNA position 368, A replaced by G.
Protein change: p.Lys123Arg; replaces lysine 123 with arginine.
Molecular consequence: missense variant. On other transcripts: non-coding transcript variant (1).
Genome position (GRCh38, 1-based): chr17:63,710,817, T>C on the plus strand (A>G on the coding strand, the complement: STRADA is on the minus strand). VCF-style: chr17-63710817-T-C. GRCh37 (hg19) VCF-style: chr17-61788177-T-C.
Other names: c.257A>G, p.Lys86Arg (NM_001003786.3, NM_001363789.1, NM_153335.6); c.194A>G, p.Lys65Arg (NM_001003788.3, NM_001363790.1, NM_001363791.1); c.281A>G, p.Lys94Arg (NM_001165969.2, NM_001363787.1); c.236A>G, p.Lys79Arg (NM_001165970.2); c.344A>G, p.Lys115Arg (NM_001363786.1); c.368A>G, p.Lys123Arg (NM_001363788.1); short protein forms K123R, K115R, K65R, K86R, K79R, K94R.
Identifiers: ClinVar variation 468883 (VCV000468883.8), dbSNP rs1045863605, ClinGen allele CA292946192.

ClinVar aggregate classification (germline): Uncertain significance. Review status: criteria provided, multiple submitters, no conflicts (2 of 4 stars). 2 submissions from 2 submitters: Uncertain significance (2). Last evaluated 2023-12-26.

Conditions:
Polyhydramnios, megalencephaly, and symptomatic epilepsy (PMSE). Also called: PMSE SYNDROME. Identifiers: Orphanet 500533, MedGen C1970203, MONDO:0012611, OMIM 611087.
Inborn genetic diseases. Identifiers: MedGen C0950123, MeSH D030342.

Allele frequency attached by ClinVar (database versions not stated): gnomAD 0.00001 and 0.00002; TOPMed 0.00012.
gnomAD v4.1: 10 of 1,614,038 alleles (0.00062%); highest among the groups gnomAD compares: Admixed American, 0.005%; no homozygotes.

Submissions (2):

Ambry Genetics
Classification: Uncertain significance for Inborn genetic diseases. Last evaluated: 2023-12-26. Review status: criteria provided, single submitter. Criteria: Ambry Variant Classification Scheme 2023. Collection method: clinical testing. Allele origin: germline.

Labcorp Genetics (formerly Invitae), Labcorp
Classification: Uncertain significance for Polyhydramnios, megalencephaly, and symptomatic epilepsy. Last evaluated: 2022-10-27. Review status: criteria provided, single submitter. Criteria: Invitae Variant Classification Sherloc (09022015). Collection method: clinical testing. Allele origin: germline.
Comment: This sequence change replaces lysine, which is basic and polar, with arginine, which is basic and polar, at codon 123 of the STRADA protein (p.Lys123Arg). This variant is present in population databases (no rsID available, gnomAD 0.003%). This variant has not been reported in the literature in individuals affected with STRADA-related conditions. ClinVar contains an entry for this variant (Variation ID: 468883). Algorithms developed to predict the effect of missense changes on protein structure and function are either unavailable or do not agree on the potential impact of this missense change (SIFT: "Tolerated"; PolyPhen-2: "Probably Damaging"; Align-GVGD: "Class C0"). In summary, the available evidence is currently insufficient to determine the role of this variant in disease. Therefore, it has been classified as a Variant of Uncertain Significance.